The following is an entry in ClinVar:

NM_000531.6(OTC):c.853C>T (p.Gln285Ter)

Gene: OTC (ornithine transcarbamylase; plus strand). Cytogenetic location: Xp11.4.
Variant type: single nucleotide variant.
Coding change: c.853C>T on transcript NM_000531.6 (MANE Select); coding-DNA position 853, C replaced by T.
Protein change: p.Gln285Ter; replaces glutamine 285 with a stop codon.
Molecular consequence: nonsense.
Genome position (GRCh38, 1-based): chrX:38,409,011, C>T. VCF-style: chrX-38409011-C-T. GRCh37 (hg19) VCF-style: chrX-38268264-C-T.
Other names: c.853C>T, p.Gln285Ter (NM_001407092.1); short protein forms Q285*.
Identifiers: ClinVar variation 2573437 (VCV002573437.1), dbSNP rs2519979431, ClinGen allele CA412723777.

ClinVar aggregate classification (germline): Pathogenic (1 of 4 stars; one submission).

Conditions:
Ornithine carbamoyltransferase deficiency (OTCD). Also called: OTC DEFICIENCY; ORNITHINE TRANSCARBAMYLASE DEFICIENCY, HYPERAMMONEMIA DUE TO; ORNITHINE TRANSCARBAMYLASE DEFICIENCY; Ornithine Carbamoyltransferase Deficiency Disease. Identifiers: Orphanet 664, MedGen C0268542, MONDO:0010703, OMIM 311250.

Submission:

Women's Health and Genetics/Laboratory Corporation of America, LabCorp
Classification: Pathogenic for Ornithine carbamoyltransferase deficiency. Last evaluated: 2023-06-23. Review status: criteria provided, single submitter. Criteria: LabCorp Variant Classification Summary - May 2015. Collection method: clinical testing. Allele origin: germline.
Comment: Variant summary: OTC c.853C>T (p.Gln285X) results in a premature termination codon, predicted to cause absence of the protein due to nonsense mediated decay, a commonly known mechanism for disease. The variant was absent in 182805 control chromosomes (gnomAD). c.853C>T has been reported in the literature in individuals affected with Ornithine Transcarbamylase Deficiency (e.g. Storkanova_2013, Makris_2021). These data indicate that the variant is likely associated with disease. To our knowledge, no experimental evidence demonstrating an impact on protein function has been reported. The following publications have been ascertained in the context of this evaluation (PMID: 33309754, 23278509). No submitters have cited clinical-significance assessments for this variant to ClinVar after 2014. Based on the evidence outlined above, the variant was classified as pathogenic.

Literature cited by the submitters: PubMed 23278509; PubMed 33309754.